The following is an entry in ClinVar:

NM_001018115.3(FANCD2):c.3802_3805dup (p.Asn1269fs)

Genes: FANCD2OS (FANCD2 opposite strand; minus strand), FANCD2 (FA complementation group D2; plus strand). Cytogenetic location: 3p25.3.
Variant type: Duplication.
Coding change: c.3802_3805dup on transcript NM_001018115.3 (MANE Select); coding-DNA positions 3802 to 3805, 4 bases duplicated (TGGA; older notation c.3802_3805dupTGGA).
Protein change: p.Asn1269fs; shifts the reading frame from asparagine 1269.
Molecular consequence: frameshift variant. On other transcripts: intron variant (1).
Genome position (GRCh38, 1-based): chr3:10,092,205-10,092,208, TGGA duplicated. VCF-style (leftmost placement, unchanged base first): chr3-10092204-C-CTGGA. GRCh37 (hg19) VCF-style: chr3-10133888-C-CTGGA.
Other names: c.3802_3805dup, p.Asn1269fs (NM_001319984.2, NM_001374254.1, NM_033084.6); c.3691_3694dup, p.Asn1232fs (NM_001374253.1); c.*44-10677_*44-10674dup (NM_173472.2); short protein forms N1232fs, N1269fs.
Identifiers: ClinVar variation 5019869 (VCV005019869.2).

ClinVar aggregate classification (germline): Likely pathogenic (1 of 4 stars; one submission).

Conditions:
Fanconi anemia complementation group D2. Also called: FANCD2-Related Fanconi Anemia; FANCONI PANCYTOPENIA, TYPE 4; FANCONI ANEMIA, COMPLEMENTATION GROUP D. Identifiers: Orphanet 84, MedGen C3160738, MONDO:0009214, OMIM 227646.

Submission:

Juno Genomics, Hangzhou Juno Genomics, Inc
Classification: Likely pathogenic for Fanconi anemia complementation group D2. Review status: criteria provided, single submitter. Criteria: ACMG Guidelines, 2015. Collection method: clinical testing. Allele origin: germline.
Comment: Absent from controls (or at extremely low frequency if recessive) in Genome Aggregation Database.;Null variant in a gene where loss of function (LOF) is a known mechanism of disease.